The following is an entry in ClinVar:

ClinVar aggregate classification (germline): Likely benign (1 of 4 stars; one submission).

Allele frequency attached by ClinVar (database versions not stated): gnomAD 0.00001; TOPMed 0.00001; gnomAD exomes 0.00002; ExAC 0.00017.
gnomAD v4.1: 32 of 1,540,006 alleles (0.0021%); highest among the groups gnomAD compares: Non-Finnish European, 0.00087%; no homozygotes.

Submission:

CeGaT Center for Human Genetics Tuebingen
Classification: Likely benign. Last evaluated: 2022-12-01. Review status: criteria provided, single submitter. Criteria: CeGaT Center For Human Genetics Tuebingen Variant Classification Criteria Version 2. Collection method: clinical testing. Allele origin: germline. Affected: yes. Observed: 1 variant allele.
Comment: ZC3H12D: BP4, BP7

NM_207360.3(ZC3H12D):c.1353C>G (p.Val451=)

Gene: ZC3H12D (zinc finger CCCH-type containing 12D; minus strand). Cytogenetic location: 6q25.1.
Variant type: single nucleotide variant.
Coding change: c.1353C>G on transcript NM_207360.3 (MANE Select); coding-DNA position 1353, C replaced by G.
Protein change: p.Val451=; no amino-acid change (valine 451 retained).
Molecular consequence: synonymous variant.
Genome position (GRCh38, 1-based): chr6:149,450,914, G>C on the plus strand (C>G on the coding strand, the complement: ZC3H12D is on the minus strand). VCF-style: chr6-149450914-G-C. GRCh37 (hg19) VCF-style: chr6-149772050-G-C.
Identifiers: ClinVar variation 2656990 (VCV002656990.24), dbSNP rs781441525, ClinGen allele CA4041822.